The following is an entry in ClinVar:

NM_014444.5(TUBGCP4):c.1670G>A (p.Arg557Gln)

Gene: TUBGCP4 (tubulin gamma complex component 4; plus strand). Cytogenetic location: 15q15.3.
Variant type: single nucleotide variant.
Coding change: c.1670G>A on transcript NM_014444.5 (MANE Select); coding-DNA position 1670, G replaced by A.
Protein change: p.Arg557Gln; replaces arginine 557 with glutamine.
Molecular consequence: missense variant.
Genome position (GRCh38, 1-based): chr15:43,401,789, G>A. VCF-style: chr15-43401789-G-A. GRCh37 (hg19) VCF-style: chr15-43693987-G-A.
Other names: c.1673G>A, p.Arg558Gln (NM_001286414.3); c.1670G>A (NM_014444.3, NM_014444.2); short protein forms R558Q, R557Q.
Identifiers: ClinVar variation 850485 (VCV000850485.43), dbSNP rs201399662, ClinGen allele CA7524155.

ClinVar aggregate classification (germline): Conflicting classifications of pathogenicity. Review status: criteria provided, conflicting classifications (1 of 4 stars). 6 submissions from 6 submitters: Uncertain significance (5); Likely benign (1). Last evaluated 2024-02-28.

Conditions:
Inborn genetic diseases. Identifiers: MedGen C0950123, MeSH D030342.

Allele frequency attached by ClinVar (database versions not stated): 1000 Genomes Project 30x 0.00031; 1000 Genomes Project 0.00040; ExAC 0.00051; gnomAD exomes 0.00054 and 0.00087; gnomAD 0.00063; TOPMed 0.00069; ESP Exome Variant Server 0.00075.
gnomAD v4.1: 1,349 of 1,614,086 alleles (0.084%); highest among the groups gnomAD compares: Non-Finnish European, 0.11%; 1 homozygote.

Submissions (6):

Blueprint Genetics
Classification: Likely benign. Last evaluated: 2024-02-28. Review status: criteria provided, single submitter. Criteria: ACMG Guidelines, 2015. Collection method: clinical testing. Allele origin: germline.

GeneDx
Classification: Uncertain significance. Last evaluated: 2023-07-26. Review status: criteria provided, single submitter. Criteria: GeneDx Variant Classification Process June 2021. Collection method: clinical testing. Allele origin: germline. Affected: yes.
Comment: In silico analysis supports that this missense variant does not alter protein structure/function; Has not been previously published as pathogenic or benign to our knowledge

Labcorp Genetics (formerly Invitae), Labcorp
Classification: Uncertain significance. Last evaluated: 2022-11-01. Review status: criteria provided, single submitter. Criteria: Invitae Variant Classification Sherloc (09022015). Collection method: clinical testing. Allele origin: germline.
Comment: This sequence change replaces arginine, which is basic and polar, with glutamine, which is neutral and polar, at codon 558 of the TUBGCP4 protein (p.Arg558Gln). This variant is present in population databases (rs201399662, gnomAD 0.1%), and has an allele count higher than expected for a pathogenic variant. This variant has not been reported in the literature in individuals affected with TUBGCP4-related conditions. ClinVar contains an entry for this variant (Variation ID: 850485). Advanced modeling of protein sequence and biophysical properties (such as structural, functional, and spatial information, amino acid conservation, physicochemical variation, residue mobility, and thermodynamic stability) performed at Invitae indicates that this missense variant is not expected to disrupt TUBGCP4 protein function. In summary, the available evidence is currently insufficient to determine the role of this variant in disease. Therefore, it has been classified as a Variant of Uncertain Significance.

Ambry Genetics
Classification: Uncertain significance for Inborn genetic diseases. Last evaluated: 2021-08-23. Review status: criteria provided, single submitter. Criteria: Ambry Variant Classification Scheme 2023. Collection method: clinical testing. Allele origin: germline.

CeGaT Center for Human Genetics Tuebingen
Classification: Uncertain significance. Last evaluated: 2021-06-01. Review status: criteria provided, single submitter. Criteria: CeGaT Center For Human Genetics Tuebingen Variant Classification Criteria Version 2. Collection method: clinical testing. Allele origin: germline. Affected: yes. Observed: 1 variant allele.

Breakthrough Genomics
Classification: Uncertain significance. Review status: criteria provided, single submitter. Criteria: ACMG Guidelines, 2015. Collection method: not provided. Allele origin: germline. Inheritance: Autosomal recessive inheritance. Affected: yes.